The following is an entry in ClinVar:

ClinVar aggregate classification (germline): Uncertain significance. Review status: criteria provided, multiple submitters, no conflicts (2 of 4 stars). 5 submissions from 5 submitters: Uncertain significance (5). Last evaluated 2025-06-19.

Conditions:
Inborn genetic diseases. Identifiers: MedGen C0950123, MeSH D030342.

Allele frequency attached by ClinVar (database versions not stated): ExAC 0.00005; gnomAD exomes 0.00006 and 0.00012; TOPMed 0.00006; gnomAD 0.00011.
gnomAD v4.1: 188 of 1,551,558 alleles (0.012%); highest among the groups gnomAD compares: Non-Finnish European, 0.016%; 1 homozygote.

Submissions (5):

Women's Health and Genetics/Laboratory Corporation of America, LabCorp
Classification: Uncertain significance. Last evaluated: 2025-06-19. Review status: criteria provided, single submitter. Criteria: LabCorp Variant Classification Summary - May 2015. Collection method: clinical testing. Allele origin: germline.
Comment: Variant summary: UNC80 c.7829C>T (p.Pro2610Leu) results in a non-conservative amino acid change in the encoded protein sequence. Algorithms developed to predict the effect of missense changes on protein structure and function are either unavailable or do not agree on the potential impact of this missense change. The variant allele was found at a frequency of 6.4e-05 in 156118 control chromosomes. This frequency is not significantly higher than estimated for a pathogenic variant in UNC80 causing Infantile Hypotonia With Psychomotor Retardation And Characteristic Facies 2, allowing no conclusion about variant significance. To our knowledge, no occurrence of c.7829C>T in individuals affected with Infantile Hypotonia With Psychomotor Retardation And Characteristic Facies 2 and no experimental evidence demonstrating its impact on protein function have been reported. ClinVar contains an entry for this variant (Variation ID: 1449259). Based on the evidence outlined above, the variant was classified as uncertain significance.

GeneDx
Classification: Uncertain significance. Last evaluated: 2025-06-02. Review status: criteria provided, single submitter. Criteria: GeneDx Variant Classification Process June 2021. Collection method: clinical testing. Allele origin: germline.
Comment: In silico analysis suggests that this missense variant does not alter protein structure/function; Has not been previously published as pathogenic or benign to our knowledge

Ambry Genetics
Classification: Uncertain significance for Inborn genetic diseases. Last evaluated: 2025-01-24. Review status: criteria provided, single submitter. Criteria: Ambry Variant Classification Scheme 2023. Collection method: clinical testing. Allele origin: germline.

Labcorp Genetics (formerly Invitae), Labcorp
Classification: Uncertain significance. Last evaluated: 2023-12-11. Review status: criteria provided, single submitter. Criteria: Invitae Variant Classification Sherloc (09022015). Collection method: clinical testing. Allele origin: germline.
Comment: This sequence change replaces proline, which is neutral and non-polar, with leucine, which is neutral and non-polar, at codon 2610 of the UNC80 protein (p.Pro2610Leu). This variant is present in population databases (rs750290879, gnomAD 0.02%). This variant has not been reported in the literature in individuals affected with UNC80-related conditions. ClinVar contains an entry for this variant (Variation ID: 1449259). Advanced modeling of protein sequence and biophysical properties (such as structural, functional, and spatial information, amino acid conservation, physicochemical variation, residue mobility, and thermodynamic stability) performed at Invitae indicates that this missense variant is not expected to disrupt UNC80 protein function with a negative predictive value of 80%. In summary, the available evidence is currently insufficient to determine the role of this variant in disease. Therefore, it has been classified as a Variant of Uncertain Significance.

Blueprint Genetics
Classification: Uncertain significance. Last evaluated: 2023-04-27. Review status: criteria provided, single submitter. Criteria: ACMG Guidelines, 2015. Collection method: clinical testing. Allele origin: germline.

NM_001371986.1(UNC80):c.8027C>T (p.Pro2676Leu)

Gene: UNC80 (unc-80 subunit of NALCN channel complex; plus strand). Cytogenetic location: 2q34.
Variant type: single nucleotide variant.
Coding change: c.8027C>T on transcript NM_001371986.1 (MANE Select); coding-DNA position 8027, C replaced by T.
Protein change: p.Pro2676Leu; replaces proline 2676 with leucine.
Molecular consequence: missense variant.
Genome position (GRCh38, 1-based): chr2:209,969,788, C>T. VCF-style: chr2-209969788-C-T. GRCh37 (hg19) VCF-style: chr2-210834512-C-T.
Other names: c.7829C>T, p.Pro2610Leu (NM_032504.2); c.7814C>T, p.Pro2605Leu (NM_182587.4); c.7829C>T (NM_032504.1); short protein forms P2610L, P2605L, P2676L.
Identifiers: ClinVar variation 1449259 (VCV001449259.8), dbSNP rs750290879, ClinGen allele CA2083527.